The following is an entry in ClinVar:

ClinVar aggregate classification (germline): Uncertain significance. Review status: criteria provided, multiple submitters, no conflicts (2 of 4 stars). 4 submissions from 4 submitters: Uncertain significance (3). 1 of the submissions does not count toward it. Last evaluated 2026-01-11.

Conditions:
WRN-related disorder. Also called: WRN-related condition.
Werner syndrome (WRN). Identifiers: Orphanet 902, MedGen C0043119, MONDO:0010196, OMIM 277700.

Allele frequency attached by ClinVar (database versions not stated): ESP Exome Variant Server 0.00008; gnomAD 0.00017 and 0.00018; TOPMed 0.00017.
gnomAD v4.1: 176 of 1,613,558 alleles (0.011%); highest among the groups gnomAD compares: Admixed American, 0.033%; no homozygotes.

Submissions (4):

Labcorp Genetics (formerly Invitae), Labcorp
Classification: Uncertain significance for Werner syndrome. Last evaluated: 2026-01-11. Review status: criteria provided, single submitter. Criteria: Invitae Variant Classification Sherloc (09022015). Collection method: clinical testing. Allele origin: germline.
Comment: This sequence change replaces aspartic acid, which is acidic and polar, with histidine, which is basic and polar, at codon 511 of the WRN protein (p.Asp511His). This variant is present in population databases (rs368413625, gnomAD 0.02%). This variant has not been reported in the literature in individuals affected with WRN-related conditions. ClinVar contains an entry for this variant (Variation ID: 404004). An algorithm developed to predict the effect of missense changes on protein structure and function (PolyPhen-2) suggests that this variant is likely to be disruptive. In summary, the available evidence is currently insufficient to determine the role of this variant in disease. Therefore, it has been classified as a Variant of Uncertain Significance.

Fulgent Genetics
Classification: Uncertain significance for Werner syndrome. Last evaluated: 2024-05-29. Review status: criteria provided, single submitter. Criteria: ACMG Guidelines, 2015. Collection method: clinical testing. Allele origin: germline.

Illumina Laboratory Services, Illumina
Classification: Uncertain significance for Werner syndrome. Last evaluated: 2018-01-12. Review status: criteria provided, single submitter. Criteria: ICSL Variant Classification Criteria 13 December 2019. Collection method: clinical testing. Allele origin: germline.

PreventionGenetics, part of Exact Sciences
Classification: Uncertain significance for WRN-related condition. Last evaluated: 2023-12-15. Review status: no assertion criteria provided. Collection method: clinical testing. Allele origin: germline. Not counted in ClinVar's aggregate classification.
Comment: The WRN c.1531G>C variant is predicted to result in the amino acid substitution p.Asp511His. This variant was reported in a dyslipidemia study however no information regarding phenotype was provided (Supplemental Table 4, Dron et al. 2020. PubMed ID: 32041611). This variant is reported in 0.023% of alleles in individuals of Latino descent in gnomAD. At this time, the clinical significance of this variant is uncertain due to the absence of conclusive functional and genetic evidence.

NM_000553.6(WRN):c.1531G>C (p.Asp511His)

Gene: WRN (WRN RecQ like helicase; plus strand). Cytogenetic location: 8p12.
Variant type: single nucleotide variant.
Coding change: c.1531G>C on transcript NM_000553.6 (MANE Select); coding-DNA position 1531, G replaced by C.
Protein change: p.Asp511His; replaces aspartic acid 511 with histidine.
Molecular consequence: missense variant.
Genome position (GRCh38, 1-based): chr8:31,087,875, G>C. VCF-style: chr8-31087875-G-C. GRCh37 (hg19) VCF-style: chr8-30945391-G-C.
Other names: short protein forms D511H.
Identifiers: ClinVar variation 404004 (VCV000404004.15), dbSNP rs368413625, ClinGen allele CA4704396.
Genomic context (GRCh38, chr8:31,087,875, plus strand): 5'-CATTCTAAATGCTTAAAAATGGAAAGAAATCTGGGTCTTCCTACTAAAGAAGAAGAAGAA[G>C]ATGATGAAAATGAAGCTAATGAAGGGGAAGAAGATGATGATAAGGGTAAGCACTGAAGTA-3'
Protein context (NP_000544.2, residues 501-521): LGLPTKEEEE[Asp511His]DENEANEGEE